The following is an entry in ClinVar:

ClinVar aggregate classification (germline): Uncertain significance. Review status: criteria provided, multiple submitters, no conflicts (2 of 4 stars). 2 submissions from 2 submitters: Uncertain significance (2). Last evaluated 2025-09-04.

gnomAD v4.1: 12 of 1,612,826 alleles (0.00074%); highest among the groups gnomAD compares: Middle Eastern, 0.033%; no homozygotes.

Submissions (2):

Labcorp Genetics (formerly Invitae), Labcorp
Classification: Uncertain significance. Last evaluated: 2025-09-04. Review status: criteria provided, single submitter. Criteria: Invitae Variant Classification Sherloc (09022015). Collection method: clinical testing. Allele origin: germline.
Comment: This sequence change replaces arginine, which is basic and polar, with glutamine, which is neutral and polar, at codon 1123 of the MYH14 protein (p.Arg1123Gln). This variant is present in population databases (rs760554160, gnomAD 0.009%). This variant has not been reported in the literature in individuals affected with MYH14-related conditions. ClinVar contains an entry for this variant (Variation ID: 3368043). Invitae Evidence Modeling of protein sequence and biophysical properties (such as structural, functional, and spatial information, amino acid conservation, physicochemical variation, residue mobility, and thermodynamic stability) indicates that this missense variant is expected to disrupt MYH14 protein function with a positive predictive value of 80%. In summary, the available evidence is currently insufficient to determine the role of this variant in disease. Therefore, it has been classified as a Variant of Uncertain Significance.

GeneDx
Classification: Uncertain significance. Last evaluated: 2024-01-24. Review status: criteria provided, single submitter. Criteria: GeneDx Variant Classification Process June 2021. Collection method: clinical testing. Allele origin: germline. Affected: yes.
Comment: In silico analysis supports that this missense variant does not alter protein structure/function; Has not been previously published as pathogenic or benign to our knowledge

NM_001145809.2(MYH14):c.3491G>A (p.Arg1164Gln)

Gene: MYH14 (myosin heavy chain 14; plus strand). Cytogenetic location: 19q13.33.
Variant type: single nucleotide variant.
Coding change: c.3491G>A on transcript NM_001145809.2 (MANE Select); coding-DNA position 3491, G replaced by A.
Protein change: p.Arg1164Gln; replaces arginine 1164 with glutamine.
Molecular consequence: missense variant.
Genome position (GRCh38, 1-based): chr19:50,276,014, G>A. VCF-style: chr19-50276014-G-A. GRCh37 (hg19) VCF-style: chr19-50779271-G-A.
Other names: c.3392G>A, p.Arg1131Gln (NM_001077186.2); c.3368G>A, p.Arg1123Gln (NM_024729.4); short protein forms R1123Q, R1131Q, R1164Q.
Identifiers: ClinVar variation 3368043 (VCV003368043.2).
Genomic context (GRCh38, chr19:50,276,014, plus strand): 5'-GCCCCTGTATCAACTCCACGGTTCTTGTCACCCCCAGGGCAGAAGACGAGGGTGGGGCCC[G>A]GGCCCAGCTGCTGAAATCCCTGCGGGAGGCTCAAGCAGCCCTGGCCGAGGCCCAGGAGGA-3'
Protein context (NP_001139281.1, residues 1154-1174): LARAEDEGGA[Arg1164Gln]AQLLKSLREA